The following is an entry in ClinVar:

NM_015267.4(CUX2):c.2330C>G (p.Ser777Cys)

Gene: CUX2 (cut like homeobox 2; plus strand). Cytogenetic location: 12q24.12.
Variant type: single nucleotide variant.
Coding change: c.2330C>G on transcript NM_015267.4 (MANE Select); coding-DNA position 2330, C replaced by G.
Protein change: p.Ser777Cys; replaces serine 777 with cysteine.
Molecular consequence: missense variant.
Genome position (GRCh38, 1-based): chr12:111,320,339, C>G. VCF-style: chr12-111320339-C-G. GRCh37 (hg19) VCF-style: chr12-111758143-C-G.
Other names: c.2144C>G, p.Ser715Cys (NM_001370598.1); short protein forms S715C, S777C.
Identifiers: ClinVar variation 5037575 (VCV005037575.1).

ClinVar aggregate classification (germline): Uncertain significance (1 of 4 stars; one submission).

Submission:

GeneDx
Classification: Uncertain significance. Last evaluated: 2026-04-22. Review status: criteria provided, single submitter. Criteria: GeneDx Variant Classification Process June 2021. Collection method: clinical testing. Allele origin: germline.
Comment: Not observed at significant frequency in large population cohorts (gnomAD); In silico analysis supports that this missense variant has a deleterious effect on protein structure/function; Has not been previously published as pathogenic or benign to our knowledge